The following is an entry in ClinVar:

NM_000051.4(ATM):c.8672-104G>A

Genes: ATM (ATM serine/threonine kinase; plus strand), C11orf65 (chromosome 11 open reading frame 65; minus strand). Cytogenetic location: 11q22.3.
Variant type: single nucleotide variant.
Coding change: c.8672-104G>A on transcript NM_000051.4 (MANE Select); 104 bases into the intron before coding-DNA position 8672, G replaced by A.
Molecular consequence: intron variant.
Genome position (GRCh38, 1-based): chr11:108,353,662, G>A. VCF-style: chr11-108353662-G-A. GRCh37 (hg19) VCF-style: chr11-108224389-G-A.
Other names: c.8672-104G>A (NM_001351834.2); c.640+32258C>T (NM_001330368.2); c.695-18370C>T (NM_001351110.2).
Identifiers: ClinVar variation 676698 (VCV000676698.4), dbSNP rs56000155, ClinGen allele CA228373318.

ClinVar aggregate classification (germline): Likely benign. Review status: criteria provided, multiple submitters, no conflicts (2 of 4 stars). 2 submissions from 2 submitters: Likely benign (2). Last evaluated 2018-06-16.

Allele frequency attached by ClinVar (database versions not stated): 1000 Genomes Project 30x 0.01999; gnomAD 0.01435 and 0.01538; TOPMed 0.01578; 1000 Genomes Project 0.01897.
gnomAD v4.1: 3,747 of 892,562 alleles (0.42%); highest among the groups gnomAD compares: African/African-American, 4.8%; 78 homozygotes.

Submissions (2):

GeneDx
Classification: Likely benign. Last evaluated: 2018-06-16. Review status: criteria provided, single submitter. Criteria: GeneDx Variant Classification (06012015). Collection method: clinical testing. Allele origin: germline. Affected: yes.
Comment: This variant is considered likely benign or benign based on one or more of the following criteria: it is a conservative change, it occurs at a poorly conserved position in the protein, it is predicted to be benign by multiple in silico algorithms, and/or has population frequency not consistent with disease.

Breakthrough Genomics
Classification: Likely benign. Review status: criteria provided, single submitter. Criteria: ACMG Guidelines, 2015. Collection method: not provided. Allele origin: germline. Inheritance: Autosomal recessive inheritance. Affected: yes.